The following is an entry in ClinVar:

ClinVar aggregate classification (germline): Likely pathogenic (1 of 4 stars; one submission).

Conditions:
Very long chain acyl-CoA dehydrogenase deficiency (ACADVLD). Also called: Very Long-Chain Acyl-Coenzyme A Dehydrogenase Deficiency; VLCAD Deficiency. Identifiers: Orphanet 26793, MedGen C3887523, MONDO:0008723, OMIM 201475.

Submission:

Myriad Genetics, Inc.
Classification: Likely pathogenic for Very long chain acyl-CoA dehydrogenase deficiency. Last evaluated: 2022-01-25. Review status: criteria provided, single submitter. Criteria: Myriad Women's Health Autosomal Recessive and X-Linked Classification Criteria (2021). Collection method: clinical testing. Allele origin: unknown.
Comment: NM_000018.3(ACADVL):c.873_874delTA(T292Pfs*5) is expected to be pathogenic in the context of very-long-chain acyl-CoA dehydrogenase deficiency. This variant is predicted to lead to an abnormal or absent protein product due to the creation of a premature termination codon in ACADVL, a gene where loss-of-function variants are known to be pathogenic. Please note: this variant was assessed in the context of healthy population screening.

NM_000018.4(ACADVL):c.873_874del (p.Thr292fs)

Gene: ACADVL (acyl-CoA dehydrogenase very long chain; plus strand). Cytogenetic location: 17p13.1.
Variant type: Deletion.
Coding change: c.873_874del on transcript NM_000018.4 (MANE Select); coding-DNA positions 873 to 874, 2 bases deleted (TA; older notation c.873_874delTA).
Protein change: p.Thr292fs; shifts the reading frame from threonine 292.
Molecular consequence: frameshift variant.
Genome position (GRCh38, 1-based): chr17:7,222,297-7,222,298, TA deleted. VCF-style (leftmost placement, unchanged base first): chr17-7222296-TTA-T. GRCh37 (hg19) VCF-style: chr17-7125615-TTA-T.
Other names: c.807_808del, p.Thr270fs (NM_001033859.3); c.942_943del, p.Thr315fs (NM_001270447.2); c.645_646del, p.Thr216fs (NM_001270448.2); short protein forms T216fs, T270fs, T292fs, T315fs.
Identifiers: ClinVar variation 1724111 (VCV001724111.2), dbSNP rs2508306370, ClinGen allele CA2580094761.